The following is an entry in ClinVar:

NM_001903.5(CTNNA1):c.253T>C (p.Phe85Leu)

Gene: CTNNA1 (catenin alpha 1; plus strand). Cytogenetic location: 5q31.2.
Variant type: single nucleotide variant.
Coding change: c.253T>C on transcript NM_001903.5 (MANE Select); coding-DNA position 253, T replaced by C.
Protein change: p.Phe85Leu; replaces phenylalanine 85 with leucine.
Molecular consequence: missense variant. On other transcripts: intron variant (2).
Genome position (GRCh38, 1-based): chr5:138,783,324, T>C. VCF-style: chr5-138783324-T-C. GRCh37 (hg19) VCF-style: chr5-138119013-T-C.
Other names: c.253T>C, p.Phe85Leu (NM_001290307.3, NM_001323982.2, NM_001323983.1 and 3 more transcripts); c.-6+52T>C (NM_001290310.3); c.-9+1295T>C (NM_001290309.3); short protein forms F85L.
Identifiers: ClinVar variation 4841649 (VCV004841649.1).

ClinVar aggregate classification (germline): Uncertain significance (1 of 4 stars; one submission).

Conditions:
Hereditary cancer-predisposing syndrome. Also called: Neoplastic Syndromes, Hereditary; Tumor predisposition; Hereditary Cancer Syndrome; Hereditary neoplastic syndrome. Identifiers: Orphanet 140162, MedGen C0027672, MeSH D009386, MONDO:0015356.

Submission:

Ambry Genetics
Classification: Uncertain significance for Hereditary cancer-predisposing syndrome. Last evaluated: 2025-12-24. Review status: criteria provided, single submitter. Criteria: Ambry Variant Classification Scheme 2023. Collection method: clinical testing. Allele origin: germline.
Comment: The p.F85L variant (also known as c.253T>C), located in coding exon 2 of the CTNNA1 gene, results from a T to C substitution at nucleotide position 253. The phenylalanine at codon 85 is replaced by leucine, an amino acid with highly similar properties. This amino acid position is conserved. In addition, this alteration is predicted to be tolerated by in silico analysis. Based on the available evidence, the clinical significance of this variant remains unclear.